The following is an entry in ClinVar:

NM_001320.7(CSNK2B):c.291+2T>C

Gene: CSNK2B (casein kinase 2 beta; plus strand). Cytogenetic location: 6p21.33.
Variant type: single nucleotide variant.
Coding change: c.291+2T>C on transcript NM_001320.7 (MANE Select); the canonical splice donor site of the intron after coding-DNA position 291, T replaced by C.
Molecular consequence: splice donor variant.
Genome position (GRCh38, 1-based): chr6:31,668,656, T>C. VCF-style: chr6-31668656-T-C. GRCh37 (hg19) VCF-style: chr6-31636433-T-C.
Other names: c.291+2T>C (NM_001282385.2).
Identifiers: ClinVar variation 3836906 (VCV003836906.1).
Genomic context (GRCh38, chr6:31,668,656, plus strand): 5'-TGCTTTATGGATTGATCCACGCCCGCTACATCCTTACCAACCGTGGCATCGCCCAGATGG[T>C]GAGGCCTCTCTGCTCCTACCTGCCTCCTTCTGAGCAGTAAGAGACACAGGTTCCTGCAGC-3'

ClinVar aggregate classification (germline): Uncertain significance (1 of 4 stars; one submission).

Conditions:
Inborn genetic diseases. Identifiers: MedGen C0950123, MeSH D030342.

Submission:

Ambry Genetics
Classification: Uncertain significance for Inborn genetic diseases. Last evaluated: 2025-03-06. Review status: criteria provided, single submitter. Criteria: Ambry Variant Classification Scheme 2023. Collection method: clinical testing. Allele origin: germline.
Comment: The c.291+2T>C intronic variant results from a T to C substitution two nucleotides after coding exon 3 of the CSNK2B gene. Alterations that disrupt the canonical splice site are expected to cause aberrant splicing, resulting in an abnormal protein or a transcript that is subject to nonsense-mediated mRNA decay; however, +2T>C alterations are capable of generating wild-type transcripts in some genomic contexts and should be interpreted with caution (Lin, 2019). Based on insufficient or conflicting evidence, the clinical significance of this alteration remains unclear.